The following is an entry in ClinVar:

NM_004006.3(DMD):c.1835A>T (p.Lys612Met)

Gene: DMD (dystrophin; minus strand). Cytogenetic location: Xp21.1.
Variant type: single nucleotide variant.
Coding change: c.1835A>T on transcript NM_004006.3 (MANE Select); coding-DNA position 1835, A replaced by T.
Protein change: p.Lys612Met; replaces lysine 612 with methionine.
Molecular consequence: missense variant.
Genome position (GRCh38, 1-based): chrX:32,565,859, T>A on the plus strand (A>T on the coding strand, the complement: DMD is on the minus strand). VCF-style: chrX-32565859-T-A. GRCh37 (hg19) VCF-style: chrX-32583976-T-A.
Other names: c.1811A>T, p.Lys604Met (NM_000109.4); c.1823A>T, p.Lys608Met (NM_004009.3); c.1466A>T, p.Lys489Met (NM_004010.3); short protein forms K612M, K489M, K604M, K608M.
Identifiers: ClinVar variation 1941569 (VCV001941569.2), dbSNP rs1038621074, ClinGen allele CA328035774.

ClinVar aggregate classification (germline): Uncertain significance (1 of 4 stars; one submission).

Conditions:
Duchenne muscular dystrophy (DMD). Also called: MUSCULAR DYSTROPHY, PSEUDOHYPERTROPHIC PROGRESSIVE, DUCHENNE TYPE; Duchenne Muscular Dystrophy (DMD). Identifiers: Orphanet 98896, MedGen C0013264, MONDO:0010679, OMIM 310200.

Submission:

Labcorp Genetics (formerly Invitae), Labcorp
Classification: Uncertain significance for Duchenne muscular dystrophy. Last evaluated: 2021-08-20. Review status: criteria provided, single submitter. Criteria: Invitae Variant Classification Sherloc (09022015). Collection method: clinical testing. Allele origin: germline.
Comment: This sequence change replaces lysine with methionine at codon 612 of the DMD protein (p.Lys612Met). The lysine residue is moderately conserved and there is a moderate physicochemical difference between lysine and methionine. This variant is not present in population databases (ExAC no frequency). This variant has not been reported in the literature in individuals affected with DMD-related conditions. Algorithms developed to predict the effect of missense changes on protein structure and function output the following: SIFT: "Tolerated"; PolyPhen-2: "Possibly Damaging"; Align-GVGD: "Class C0". The methionine amino acid residue is found in multiple mammalian species, which suggests that this missense change does not adversely affect protein function. In summary, the available evidence is currently insufficient to determine the role of this variant in disease. Therefore, it has been classified as a Variant of Uncertain Significance.